The following is an entry in ClinVar:

NM_020791.4(TAOK1):c.1817G>A (p.Arg606His)

Gene: TAOK1 (TAO kinase 1; plus strand). Cytogenetic location: 17q11.2.
Variant type: single nucleotide variant.
Coding change: c.1817G>A on transcript NM_020791.4 (MANE Select); coding-DNA position 1817, G replaced by A.
Protein change: p.Arg606His; replaces arginine 606 with histidine.
Molecular consequence: missense variant. On other transcripts: intron variant (1).
Genome position (GRCh38, 1-based): chr17:29,517,565, G>A. VCF-style: chr17-29517565-G-A. GRCh37 (hg19) VCF-style: chr17-27844583-G-A.
Other names: c.1704+6573G>A (NM_025142.1); short protein forms R606H.
Identifiers: ClinVar variation 973320 (VCV000973320.5), dbSNP rs2031840733, ClinGen allele CA399197168.
Genomic context (GRCh38, chr17:29,517,565, plus strand): 5'-CAAAGCAGAAGGAGAATATACAGCATTTCCAAGCAGAAGAAGAAGCTAACCTTCTTCGAC[G>A]TCAAAGACAATACCTAGAGCTGGAATGCCGTCGCTTCAAGAGAAGAATGTTACTTGGGCG-3'
Protein context (NP_065842.1, residues 596-616): QAEEEANLLR[Arg606His]QRQYLELECR

ClinVar aggregate classification (germline): Uncertain significance. Review status: criteria provided, multiple submitters, no conflicts (2 of 4 stars). 2 submissions from 2 submitters: Uncertain significance (2). Last evaluated 2022-09-09.

Conditions:
TAOK1-related neurodevelopmental disorder.

Allele frequency attached by ClinVar (database versions not stated): gnomAD exomes below 0.00001; gnomAD 0.00001; TOPMed 0.00001.
gnomAD v4.1: 5 of 1,613,866 alleles (0.00031%); highest among the groups gnomAD compares: Non-Finnish European, 0.00034%; no homozygotes.

Submissions (2):

Blueprint Genetics
Classification: Uncertain significance. Last evaluated: 2022-09-09. Review status: criteria provided, single submitter. Criteria: ACMG Guidelines, 2015. Collection method: clinical testing. Allele origin: germline.

Illumina Laboratory Services, Illumina
Classification: Uncertain significance for TAOK1-related neurodevelopmental disorder. Last evaluated: 2019-12-17. Review status: criteria provided, single submitter. Criteria: ICSLVariantClassificationCriteria RUGD 01 April 2020. Collection method: clinical testing. Allele origin: unknown.
Comment: The TAOK1 c.1817G>A (p.Arg606His) variant is a missense variant. A literature search was performed for the gene, cDNA change, and amino acid change. No publications were found based on this search. This variant is not found in the Genome Aggregation Database in a region of good sequence coverage, so the variant is presumed to be rare. Based on the limited evidence, the p.Arg606His variant is classified as a variant of unknown significance for TAOK1-related neurodevelopmental disorder.